The following is an entry in ClinVar:

ClinVar aggregate classification (germline): Uncertain significance (1 of 4 stars; one submission).

Conditions:
Hereditary cancer-predisposing syndrome. Also called: Tumor predisposition; Neoplastic Syndromes, Hereditary; Hereditary neoplastic syndrome; Hereditary Cancer Syndrome. Identifiers: Orphanet 140162, MedGen C0027672, MeSH D009386, MONDO:0015356.

Submission:

Ambry Genetics
Classification: Uncertain significance for Hereditary cancer-predisposing syndrome. Last evaluated: 2025-09-03. Review status: criteria provided, single submitter. Criteria: Ambry Variant Classification Scheme 2023. Collection method: clinical testing. Allele origin: germline.
Comment: The p.G1105E variant (also known as c.3314G>A), located in coding exon 5 of the MSH6 gene, results from a G to A substitution at nucleotide position 3314. The glycine at codon 1105 is replaced by glutamic acid, an amino acid with similar properties. This amino acid position is highly conserved in available vertebrate species. In addition, this alteration is predicted to be deleterious by in silico analysis. Based on the available evidence, the clinical significance of this variant remains unclear.

NM_000179.3(MSH6):c.3314G>A (p.Gly1105Glu)

Gene: MSH6 (mutS homolog 6; plus strand). Cytogenetic location: 2p16.3.
Variant type: single nucleotide variant.
Coding change: c.3314G>A on transcript NM_000179.3 (MANE Select); coding-DNA position 3314, G replaced by A.
Protein change: p.Gly1105Glu; replaces glycine 1105 with glutamic acid.
Molecular consequence: missense variant. On other transcripts: non-coding transcript variant (5), intron variant (1).
Genome position (GRCh38, 1-based): chr2:47,803,561, G>A. VCF-style: chr2-47803561-G-A. GRCh37 (hg19) VCF-style: chr2-48030700-G-A.
Other names: c.2924G>A, p.Gly975Glu (NM_001281492.2); c.2408G>A, p.Gly803Glu (NM_001281493.2, NM_001281494.2, NM_001406811.1 and 6 more transcripts); c.3410G>A, p.Gly1137Glu (NM_001406795.1, NM_001406802.1); c.3314G>A, p.Gly1105Glu (NM_001406796.1, NM_001406800.1, NM_001406808.1 and 1 more transcripts); c.3017G>A, p.Gly1006Glu (NM_001406797.1, NM_001406801.1, NM_001406805.1 and 10 more transcripts); c.2789G>A, p.Gly930Glu (NM_001406799.1, NM_001406806.1, NM_001406807.1); c.2450G>A, p.Gly817Glu (NM_001406803.1); c.3236G>A, p.Gly1079Glu (NM_001406804.1); and 7 more; short protein forms G1049E, G1107E, G1137E, G420E, G54E, G583E, G803E, G1006E.
Identifiers: ClinVar variation 4111228 (VCV004111228.1).